The following is an entry in ClinVar:

ClinVar aggregate classification (germline): Uncertain significance. Review status: criteria provided, multiple submitters, no conflicts (2 of 4 stars). 2 submissions from 2 submitters: Uncertain significance (2). Last evaluated 2026-09-07.

Conditions:
Baller-Gerold syndrome (BGS). Also called: CRANIOSYNOSTOSIS WITH RADIAL DEFECTS. Identifiers: Orphanet 1225, MedGen C0265308, MONDO:0009039, OMIM 218600.
Inborn genetic diseases. Identifiers: MedGen C0950123, MeSH D030342.

Submissions (2):

Ambry Genetics
Classification: Uncertain significance for Inborn genetic diseases. Last evaluated: 2026-09-07. Review status: criteria provided, single submitter. Criteria: Ambry Variant Classification Scheme 2023. Collection method: clinical testing. Allele origin: germline.
Comment: The p.I705L variant (also known as c.2113A>C), located in coding exon 13 of the RECQL4 gene, results from an A to C substitution at nucleotide position 2113. The isoleucine at codon 705 is replaced by leucine, an amino acid with highly similar properties. This amino acid position is conserved. In addition, this alteration is predicted to be tolerated by in silico analysis. Based on the available evidence, the clinical significance of this variant remains unclear.

Labcorp Genetics (formerly Invitae), Labcorp
Classification: Uncertain significance for Baller-Gerold syndrome. Last evaluated: 2025-02-17. Review status: criteria provided, single submitter. Criteria: Invitae Variant Classification Sherloc (09022015). Collection method: clinical testing. Allele origin: germline.
Comment: This sequence change replaces isoleucine, which is neutral and non-polar, with leucine, which is neutral and non-polar, at codon 705 of the RECQL4 protein (p.Ile705Leu). This variant is not present in population databases (gnomAD no frequency). This variant has not been reported in the literature in individuals affected with RECQL4-related conditions. ClinVar contains an entry for this variant (Variation ID: 943277). Invitae Evidence Modeling of protein sequence and biophysical properties (such as structural, functional, and spatial information, amino acid conservation, physicochemical variation, residue mobility, and thermodynamic stability) indicates that this missense variant is expected to disrupt RECQL4 protein function with a positive predictive value of 80%. In summary, the available evidence is currently insufficient to determine the role of this variant in disease. Therefore, it has been classified as a Variant of Uncertain Significance.

NM_004260.4(RECQL4):c.2113A>C (p.Ile705Leu)

Gene: RECQL4 (RecQ like helicase 4; minus strand). Cytogenetic location: 8q24.3.
Variant type: single nucleotide variant.
Coding change: c.2113A>C on transcript NM_004260.4 (MANE Select); coding-DNA position 2113, A replaced by C.
Protein change: p.Ile705Leu; replaces isoleucine 705 with leucine.
Molecular consequence: missense variant.
Genome position (GRCh38, 1-based): chr8:144,513,658, T>G on the plus strand (A>C on the coding strand, the complement: RECQL4 is on the minus strand). VCF-style: chr8-144513658-T-G. GRCh37 (hg19) VCF-style: chr8-145739042-T-G.
Other names: short protein forms I705L.
Identifiers: ClinVar variation 943277 (VCV000943277.7), dbSNP rs374262706, ClinGen allele CA372679899.